The following is an entry in ClinVar:

NM_000179.3(MSH6):c.985A>C (p.Ile329Leu)

Gene: MSH6 (mutS homolog 6; plus strand). Cytogenetic location: 2p16.3.
Variant type: single nucleotide variant.
Coding change: c.985A>C on transcript NM_000179.3 (MANE Select); coding-DNA position 985, A replaced by C.
Protein change: p.Ile329Leu; replaces isoleucine 329 with leucine.
Molecular consequence: missense variant.
Genome position (GRCh38, 1-based): chr2:47,798,968, A>C. VCF-style: chr2-47798968-A-C. GRCh37 (hg19) VCF-style: chr2-48026107-A-C.
Other names: c.985A>C (NM_000179.2); c.595A>C, p.Ile199Leu (NM_001281492.2); c.79A>C, p.Ile27Leu (NM_001281493.2, NM_001281494.2); short protein forms I199L, I329L, I27L.
Identifiers: ClinVar variation 1517249 (VCV001517249.9), dbSNP rs1669280227, ClinGen allele CA346741066.

ClinVar aggregate classification (germline): Uncertain significance. Review status: criteria provided, multiple submitters, no conflicts (2 of 4 stars). 2 submissions from 2 submitters: Uncertain significance (2). Last evaluated 2024-12-10.

Conditions:
Hereditary nonpolyposis colorectal neoplasms. Identifiers: MedGen C0009405, MeSH D003123.
Hereditary cancer-predisposing syndrome. Also called: Tumor predisposition; Neoplastic Syndromes, Hereditary; Hereditary neoplastic syndrome; Hereditary Cancer Syndrome. Identifiers: Orphanet 140162, MedGen C0027672, MeSH D009386, MONDO:0015356.

Allele frequency attached by ClinVar (database versions not stated): gnomAD exomes below 0.00001.
gnomAD v4.1: 1 of 1,614,224 alleles (0.000062%); highest among the groups gnomAD compares: South Asian, 0.0011%; no homozygotes.

Submissions (2):

Ambry Genetics
Classification: Uncertain significance for Hereditary cancer-predisposing syndrome. Last evaluated: 2024-12-10. Review status: criteria provided, single submitter. Criteria: Ambry Variant Classification Scheme 2023. Collection method: clinical testing. Allele origin: germline.
Comment: The p.I329L variant (also known as c.985A>C), located in coding exon 4 of the MSH6 gene, results from an A to C substitution at nucleotide position 985. The isoleucine at codon 329 is replaced by leucine, an amino acid with highly similar properties. This amino acid position is conserved. In addition, this alteration is predicted to be tolerated by in silico analysis. Based on the available evidence, the clinical significance of this variant remains unclear.

Labcorp Genetics (formerly Invitae), Labcorp
Classification: Uncertain significance for Hereditary nonpolyposis colorectal neoplasms. Last evaluated: 2021-03-17. Review status: criteria provided, single submitter. Criteria: Invitae Variant Classification Sherloc (09022015). Collection method: clinical testing. Allele origin: germline.
Comment: In summary, the available evidence is currently insufficient to determine the role of this variant in disease. Therefore, it has been classified as a Variant of Uncertain Significance. This variant has not been reported in the literature in individuals with MSH6-related conditions. This variant is not present in population databases (ExAC no frequency). Advanced modeling of protein sequence and biophysical properties (such as structural, functional, and spatial information, amino acid conservation, physicochemical variation, residue mobility, and thermodynamic stability) performed at Invitae indicates that this missense variant is not expected to disrupt MSH6 protein function. This sequence change replaces isoleucine with leucine at codon 329 of the MSH6 protein (p.Ile329Leu). The isoleucine residue is weakly conserved and there is a small physicochemical difference between isoleucine and leucine.